The following is an entry in ClinVar:

NM_001372051.1(CASP8):c.630C>T (p.Asp210=)

Gene: CASP8 (caspase 8; plus strand). Cytogenetic location: 2q33.1.
Variant type: single nucleotide variant.
Coding change: c.630C>T on transcript NM_001372051.1 (MANE Select); coding-DNA position 630, C replaced by T.
Protein change: p.Asp210=; no amino-acid change (aspartic acid 210 retained).
Molecular consequence: synonymous variant. On other transcripts: non-coding transcript variant (19), intron variant (16).
Genome position (GRCh38, 1-based): chr2:201,274,923, C>T. VCF-style: chr2-201274923-C-T. GRCh37 (hg19) VCF-style: chr2-202139646-C-T.
Other names: c.585C>T, p.Asp195= (NM_001080124.2, NM_001400658.1, NM_001400659.1 and 5 more transcripts); c.807C>T, p.Asp269= (NM_001080125.2); c.681C>T, p.Asp227= (NM_001228.5); c.762C>T, p.Asp254= (NM_001400642.1); c.630C>T, p.Asp210= (NM_001400648.1, NM_001400651.1, NM_001400653.1 and 6 more transcripts); c.321C>T, p.Asp107= (NM_001400669.1); c.15C>T, p.Asp5= (NM_001400674.1, NM_001400680.1); c.19-1904C>T (NM_001400677.1, NM_001400751.1, NM_001400678.1 and 2 more transcripts); and 7 more.
Identifiers: ClinVar variation 3036986 (VCV003036986.3), dbSNP rs971778876, ClinGen allele CA63886100.

ClinVar aggregate classification (germline): Likely benign. Review status: criteria provided, single submitter (1 of 4 stars). 2 submissions from 2 submitters: Likely benign (1). 1 of the submissions does not count toward it. Last evaluated 2025-10-07.

Conditions:
CASP8-related disorder. Also called: CASP8-related condition.
Autoimmune lymphoproliferative syndrome type 2B. Also called: AUTOIMMUNE LYMPHOPROLIFERATIVE SYNDROME, TYPE IIB. Identifiers: Orphanet 275517, MedGen C1846545, MONDO:0011804, OMIM 607271.

Allele frequency attached by ClinVar (database versions not stated): gnomAD exomes 0.00001; TOPMed 0.00001.
gnomAD v4.1: 9 of 1,613,292 alleles (0.00056%); highest among the groups gnomAD compares: Middle Eastern, 0.083%; no homozygotes.

Submissions (2):

Labcorp Genetics (formerly Invitae), Labcorp
Classification: Likely benign for Autoimmune lymphoproliferative syndrome type 2B. Last evaluated: 2025-10-07. Review status: criteria provided, single submitter. Criteria: Invitae Variant Classification Sherloc (09022015). Collection method: clinical testing. Allele origin: germline.

PreventionGenetics, part of Exact Sciences
Classification: Likely benign for CASP8-related condition. Last evaluated: 2023-01-27. Review status: no assertion criteria provided. Collection method: clinical testing. Allele origin: germline. Not counted in ClinVar's aggregate classification.
Comment: This variant is classified as likely benign based on ACMG/AMP sequence variant interpretation guidelines (Richards et al. 2015 PMID: 25741868, with internal and published modifications).